The following is an entry in ClinVar:

NM_198578.4(LRRK2):c.4205A>G (p.Tyr1402Cys)

Gene: LRRK2 (leucine rich repeat kinase 2; plus strand). Cytogenetic location: 12q12.
Variant type: single nucleotide variant.
Coding change: c.4205A>G on transcript NM_198578.4 (MANE Select); coding-DNA position 4205, A replaced by G.
Protein change: p.Tyr1402Cys; replaces tyrosine 1402 with cysteine.
Molecular consequence: missense variant.
Genome position (GRCh38, 1-based): chr12:40,309,121, A>G. VCF-style: chr12-40309121-A-G. GRCh37 (hg19) VCF-style: chr12-40702923-A-G.
Other names: short protein forms Y1402C.
Identifiers: ClinVar variation 1738685 (VCV001738685.3), dbSNP rs772637229, ClinGen allele CA6514114.
Genomic context (GRCh38, chr12:40,309,121, plus strand): 5'-TGTCGTTTGAAAGATTAAAAAAATTTGTCTCTAATCTTTATTTAGGTCGTGAGGAATTCT[A>G]TAGTACTCATCCCCATTTTATGACGCAGCGAGCATTGTACCTTGCTGTCTATGACCTCAG-3'
Protein context (NP_940980.4, residues 1392-1412): VWDFAGREEF[Tyr1402Cys]STHPHFMTQR

ClinVar aggregate classification (germline): Uncertain significance (1 of 4 stars; one submission).

Conditions:
Inborn genetic diseases. Identifiers: MedGen C0950123, MeSH D030342.

Allele frequency attached by ClinVar (database versions not stated): gnomAD exomes below 0.00001; TOPMed below 0.00001; ExAC 0.00001.
gnomAD v4.1: 6 of 1,613,820 alleles (0.00037%); highest among the groups gnomAD compares: African/African-American, 0.0027%; no homozygotes.

Submission:

Ambry Genetics
Classification: Uncertain significance for Inborn genetic diseases. Last evaluated: 2023-08-30. Review status: criteria provided, single submitter. Criteria: Ambry Variant Classification Scheme 2023. Collection method: clinical testing. Allele origin: germline.
Comment: The p.Y1402C variant (also known as c.4205A>G), located in coding exon 30 of the LRRK2 gene, results from an A to G substitution at nucleotide position 4205. The tyrosine at codon 1402 is replaced by cysteine, an amino acid with highly dissimilar properties. This amino acid position is conserved. In addition, the in silico prediction for this alteration is inconclusive. Since supporting evidence is limited at this time, the clinical significance of this alteration remains unclear.